The following is an entry in ClinVar:

NC_000022.11:g.(?_19911367)_(19911457_?)del

Gene: TXNRD2 (thioredoxin reductase 2; minus strand). Cytogenetic location: 22q11.21.
Variant type: Deletion.
Identifiers: ClinVar variation 832640 (VCV000832640.2).

ClinVar aggregate classification (germline): Uncertain significance (1 of 4 stars; one submission).

Conditions:
Primary dilated cardiomyopathy (DCM). Also called: Dilated Cardiomyopathy. Identifiers: Orphanet 217604, MedGen C0007193, MeSH D002311, MONDO:0005021, HP:0001644. Inheritance: Various modes of inheritance.

Submission:

Labcorp Genetics (formerly Invitae), Labcorp
Classification: Uncertain significance for Primary dilated cardiomyopathy. Last evaluated: 2019-12-19. Review status: criteria provided, single submitter. Criteria: Invitae Variant Classification Sherloc (09022015). Collection method: clinical testing. Allele origin: germline.
Comment: This variant is an out-of-frame deletion of the genomic region encompassing exon 8 of the TXNRD2 gene. This is expected to create a premature translational stop signal and result in an absent or disrupted protein product. This variant has not been reported in the literature in individuals with TXNRD2-related disease. In summary, the available evidence is currently insufficient to determine the role of this variant in disease. Therefore, it has been classified as a Variant of Uncertain Significance.